The following is an entry in ClinVar:

ClinVar aggregate classification (germline): Likely benign. Review status: criteria provided, multiple submitters, no conflicts (2 of 4 stars). 2 submissions from 2 submitters: Likely benign (2). Last evaluated 2021-09-16.

Conditions:
Hereditary cancer-predisposing syndrome. Also called: Neoplastic Syndromes, Hereditary; Hereditary neoplastic syndrome; Tumor predisposition; Hereditary Cancer Syndrome. Identifiers: Orphanet 140162, MedGen C0027672, MeSH D009386, MONDO:0015356.
Lynch syndrome. Identifiers: Orphanet 144, MedGen C4552100, MONDO:0005835. Disease mechanism: loss of function.

Submissions (2):

Ambry Genetics
Classification: Likely benign for Hereditary cancer-predisposing syndrome. Last evaluated: 2021-09-16. Review status: criteria provided, single submitter. Criteria: Ambry Variant Classification Scheme 2023. Collection method: clinical testing. Allele origin: germline.

University of Washington Department of Laboratory Medicine, University of Washington
Classification: Likely benign for Lynch syndrome. Last evaluated: 2018-05-01. Review status: criteria provided, single submitter. Criteria: Shirts BH et al. (Am J Hum Genet 2018). Collection method: clinical testing. Allele origin: somatic. Affected: yes.
Comment: MSH6 NM_000179.2:c.1400G>A has a 2.5% probability of pathogenicity based on combining prior probability from public data with a likelihood ratio of 0.16 to 1, generated from evidence of seeing this as a somatic mutation in a tumor with loss of heterozygosity at the MSH6 locus. See Shirts et al 2018, PMID 29887214.

Literature cited by the submitters: PubMed 29887214 (cited by Ambry Genetics); PubMed 31965077 (cited by Ambry Genetics).

NM_000179.3(MSH6):c.1400G>A (p.Gly467Asp)

Gene: MSH6 (mutS homolog 6; plus strand). Cytogenetic location: 2p16.3.
Variant type: single nucleotide variant.
Coding change: c.1400G>A on transcript NM_000179.3 (MANE Select); coding-DNA position 1400, G replaced by A.
Protein change: p.Gly467Asp; replaces glycine 467 with aspartic acid.
Molecular consequence: missense variant.
Genome position (GRCh38, 1-based): chr2:47,799,383, G>A. VCF-style: chr2-47799383-G-A. GRCh37 (hg19) VCF-style: chr2-48026522-G-A.
Other names: c.1010G>A, p.Gly337Asp (NM_001281492.2); c.494G>A, p.Gly165Asp (NM_001281493.2, NM_001281494.2); short protein forms G467D, G165D, G337D.
Identifiers: ClinVar variation 619537 (VCV000619537.5), dbSNP rs1558661547, ClinGen allele CA346745165.